The following is an entry in ClinVar:

NC_000016.10:g.67660372C>T

Genes: ACD (ACD shelterin complex subunit and telomerase recruitment factor; minus strand), LOC130059224 (ATAC-STARR-seq lymphoblastoid silent region 7617; plus strand). Cytogenetic location: 16q22.1.
Variant type: single nucleotide variant.
Genome position: GRCh38 VCF-style: chr16-67660372-C-T. GRCh37 (hg19) VCF-style: chr16-67694275-C-T.
Other names: short protein forms G36E.
Identifiers: ClinVar variation 1516602 (VCV001516602.10), dbSNP rs527307806, ClinGen allele CA283218878.

ClinVar aggregate classification (germline): Uncertain significance. Review status: criteria provided, multiple submitters, no conflicts (2 of 4 stars). 2 submissions from 2 submitters: Uncertain significance (2). Last evaluated 2024-06-06.

Conditions:
Dyskeratosis congenita, autosomal dominant 6 (DKCA6). Identifiers: Orphanet 3322, MedGen C4225284, MONDO:0014690, OMIM 616553.
Inborn genetic diseases. Identifiers: MedGen C0950123, MeSH D030342.

Allele frequency attached by ClinVar (database versions not stated): gnomAD exomes below 0.00001; TOPMed 0.00002; gnomAD 0.00001.

Submissions (2):

Ambry Genetics
Classification: Uncertain significance for Inborn genetic diseases. Last evaluated: 2024-06-06. Review status: criteria provided, single submitter. Criteria: Ambry Variant Classification Scheme 2023. Collection method: clinical testing. Allele origin: germline.
Comment: The p.G36E variant (also known as c.107G>A), located in coding exon 1 of the ACD gene, results from a G to A substitution at nucleotide position 107. The glycine at codon 36 is replaced by glutamic acid, an amino acid with similar properties. This amino acid position is conserved. In addition, this alteration is predicted to be tolerated by in silico analysis. Since supporting evidence is limited at this time, the clinical significance of this alteration remains unclear.

Labcorp Genetics (formerly Invitae), Labcorp
Classification: Uncertain significance for Dyskeratosis congenita, autosomal dominant 6. Last evaluated: 2023-08-14. Review status: criteria provided, single submitter. Criteria: Invitae Variant Classification Sherloc (09022015). Collection method: clinical testing. Allele origin: germline.
Comment: This sequence change replaces glycine, which is neutral and non-polar, with glutamic acid, which is acidic and polar, at codon 36 of the ACD protein (p.Gly36Glu). This variant is present in population databases (rs527307806, gnomAD 0.007%). This variant has not been reported in the literature in individuals affected with ACD-related conditions. ClinVar contains an entry for this variant (Variation ID: 1516602). Algorithms developed to predict the effect of missense changes on protein structure and function output the following: SIFT: "Not Available"; PolyPhen-2: "Benign"; Align-GVGD: "Not Available". The glutamic acid amino acid residue is found in multiple mammalian species, which suggests that this missense change does not adversely affect protein function. In summary, the available evidence is currently insufficient to determine the role of this variant in disease. Therefore, it has been classified as a Variant of Uncertain Significance.